The following is an entry in ClinVar:

ClinVar aggregate classification (germline): Conflicting classifications of pathogenicity. Review status: criteria provided, conflicting classifications (1 of 4 stars). 8 submissions from 7 submitters: Uncertain significance (1); Benign (2); Likely benign (4). 1 of the submissions does not count toward it. Last evaluated 2025-11-17.

Conditions:
Branchiootic syndrome 3 (BOS3). Also called: BO SYNDROME 3. Identifiers: MedGen C1842124, MONDO:0012025, OMIM 608389.
Autosomal dominant nonsyndromic hearing loss 23. Identifiers: Orphanet 90635, MedGen C1854594, MONDO:0011519, OMIM 605192.
SIX1-related disorder. Also called: SIX1-related condition.

Allele frequency attached by ClinVar (database versions not stated): gnomAD exomes 0.00012; ExAC 0.00016; 1000 Genomes Project 0.00040; 1000 Genomes Project 30x 0.00047; gnomAD 0.00070 and 0.00078; TOPMed 0.00071; ESP Exome Variant Server 0.00108.
gnomAD v4.1: 187 of 1,614,234 alleles (0.012%); highest among the groups gnomAD compares: African/African-American, 0.23%; no homozygotes.

Submissions (8):

Labcorp Genetics (formerly Invitae), Labcorp
Classification: Benign for Autosomal dominant nonsyndromic hearing loss 23; Branchiootic syndrome 3. Last evaluated: 2025-11-17. Review status: criteria provided, single submitter. Criteria: Invitae Variant Classification Sherloc (09022015). Collection method: clinical testing. Allele origin: germline.

Blueprint Genetics
Classification: Likely benign. Last evaluated: 2024-09-11. Review status: criteria provided, single submitter. Criteria: ACMG Guidelines, 2015. Collection method: clinical testing. Allele origin: germline.

ARUP Laboratories, Molecular Genetics and Genomics, ARUP Laboratories
Classification: Likely benign. Last evaluated: 2022-07-15. Review status: criteria provided, single submitter. Criteria: ARUP Molecular Germline Variant Investigation Process 2021. Collection method: clinical testing. Allele origin: germline.

GeneDx
Classification: Likely benign. Last evaluated: 2020-04-30. Review status: criteria provided, single submitter. Criteria: GeneDx Variant Classification Process June 2021. Collection method: clinical testing. Allele origin: germline. Affected: yes.

Illumina Laboratory Services, Illumina
Classification: Likely benign for Autosomal dominant nonsyndromic hearing loss 23. Last evaluated: 2018-01-13. Review status: criteria provided, single submitter. Criteria: ICSL Variant Classification Criteria 13 December 2019. Collection method: clinical testing. Allele origin: germline.
Comment: This variant was observed in the ICSL laboratory as part of a predisposition screen in an ostensibly healthy population. It had not been previously curated by ICSL or reported in the Human Gene Mutation Database (HGMD: prior to June 1st, 2018), and was therefore a candidate for classification through an automated scoring system. Utilizing variant allele frequency, disease prevalence and penetrance estimates, and inheritance mode, an automated score was calculated to assess if this variant is too frequent to cause the disease. Based on the score and internal cut-off values, a variant classified as likely benign is not then subjected to further curation. The score for this variant resulted in a classification of likely benign for this disease.

Illumina Laboratory Services, Illumina
Classification: Benign for Branchiootic syndrome 3. Last evaluated: 2018-01-13. Review status: criteria provided, single submitter. Criteria: ICSL Variant Classification Criteria 13 December 2019. Collection method: clinical testing. Allele origin: germline.
Comment: This variant was observed in the ICSL laboratory as part of a predisposition screen in an ostensibly healthy population. It had not been previously curated by ICSL or reported in the Human Gene Mutation Database (HGMD: prior to June 1st, 2018), and was therefore a candidate for classification through an automated scoring system. Utilizing variant allele frequency, disease prevalence and penetrance estimates, and inheritance mode, an automated score was calculated to assess if this variant is too frequent to cause the disease. Based on the score and internal cut-off values, a variant classified as benign is not then subjected to further curation. The score for this variant resulted in a classification of benign for this disease.

Eurofins Ntd Llc (ga)
Classification: Uncertain significance. Last evaluated: 2016-10-14. Review status: criteria provided, single submitter. Criteria: EGL Classification Definitions 2015. Collection method: clinical testing. Allele origin: germline. Observed: 1 variant allele, 1 heterozygote.

PreventionGenetics, part of Exact Sciences
Classification: Likely benign for SIX1-related condition. Last evaluated: 2019-10-28. Review status: no assertion criteria provided. Collection method: clinical testing. Allele origin: germline. Not counted in ClinVar's aggregate classification.
Comment: This variant is classified as likely benign based on ACMG/AMP sequence variant interpretation guidelines (Richards et al. 2015 PMID: 25741868, with internal and published modifications).

NM_005982.4(SIX1):c.330G>A (p.Arg110=)

Gene: SIX1 (SIX homeobox 1; minus strand). Cytogenetic location: 14q23.1.
Variant type: single nucleotide variant.
Coding change: c.330G>A on transcript NM_005982.4 (MANE Select); coding-DNA position 330, G replaced by A.
Protein change: p.Arg110=; no amino-acid change (arginine 110 retained).
Molecular consequence: synonymous variant.
Genome position (GRCh38, 1-based): chr14:60,648,860, C>T on the plus strand (G>A on the coding strand, the complement: SIX1 is on the minus strand). VCF-style: chr14-60648860-C-T. GRCh37 (hg19) VCF-style: chr14-61115578-C-T.
Identifiers: ClinVar variation 497460 (VCV000497460.24), dbSNP rs73309461, ClinGen allele CA7212829.